The following is an entry in ClinVar:

NM_001161748.2(LIM2):c.193C>T (p.Arg65Trp)

Gene: LIM2 (lens intrinsic membrane protein 2; minus strand). Cytogenetic location: 19q13.41.
Variant type: single nucleotide variant.
Coding change: c.193C>T on transcript NM_001161748.2 (MANE Select); coding-DNA position 193, C replaced by T.
Protein change: p.Arg65Trp; replaces arginine 65 with tryptophan.
Molecular consequence: missense variant.
Genome position (GRCh38, 1-based): chr19:51,382,550, G>A on the plus strand (C>T on the coding strand, the complement: LIM2 is on the minus strand). VCF-style: chr19-51382550-G-A. GRCh37 (hg19) VCF-style: chr19-51885804-G-A.
Other names: c.319C>T, p.Arg107Trp (NM_030657.4); short protein forms R65W, R107W.
Identifiers: ClinVar variation 894447 (VCV000894447.8), dbSNP rs139154341, ClinGen allele CA9611549.

ClinVar aggregate classification (germline): Uncertain significance. Review status: criteria provided, multiple submitters, no conflicts (2 of 4 stars). 3 submissions from 3 submitters: Uncertain significance (3). Last evaluated 2024-11-20.

Conditions:
Inborn genetic diseases. Identifiers: MedGen C0950123, MeSH D030342.
Cataract 19 multiple types. Also called: CATARACT 19, CONGENITAL TOTAL; CATARACT 19, CORTICAL PULVERULENT. Identifiers: Orphanet 91492, MedGen C3809004, MONDO:0014111, OMIM 615277.

Allele frequency attached by ClinVar (database versions not stated): ExAC 0.00007; gnomAD 0.00007 and 0.00008; ESP Exome Variant Server 0.00008; gnomAD exomes 0.00011; 1000 Genomes Project 30x 0.00031; 1000 Genomes Project 0.00040.
gnomAD v4.1: 72 of 1,613,702 alleles (0.0045%); highest among the groups gnomAD compares: African/African-American, 0.024%; 1 homozygote.

Submissions (3):

Ambry Genetics
Classification: Uncertain significance for Inborn genetic diseases. Last evaluated: 2024-11-20. Review status: criteria provided, single submitter. Criteria: Ambry Variant Classification Scheme 2023. Collection method: clinical testing. Allele origin: germline.

Labcorp Genetics (formerly Invitae), Labcorp
Classification: Uncertain significance for Cataract 19 multiple types. Last evaluated: 2024-01-16. Review status: criteria provided, single submitter. Criteria: Invitae Variant Classification Sherloc (09022015). Collection method: clinical testing. Allele origin: germline.
Comment: This sequence change replaces arginine, which is basic and polar, with tryptophan, which is neutral and slightly polar, at codon 107 of the LIM2 protein (p.Arg107Trp). This variant is present in population databases (rs139154341, gnomAD 0.04%). This variant has not been reported in the literature in individuals affected with LIM2-related conditions. ClinVar contains an entry for this variant (Variation ID: 894447). An algorithm developed to predict the effect of missense changes on protein structure and function (PolyPhen-2) suggests that this variant is likely to be disruptive. In summary, the available evidence is currently insufficient to determine the role of this variant in disease. Therefore, it has been classified as a Variant of Uncertain Significance.

Illumina Laboratory Services, Illumina
Classification: Uncertain significance for Cataract 19 multiple types. Last evaluated: 2018-01-13. Review status: criteria provided, single submitter. Criteria: ICSL Variant Classification Criteria 13 December 2019. Collection method: clinical testing. Allele origin: germline.